The following is an entry in ClinVar:

ClinVar aggregate classification (germline): Uncertain significance (1 of 4 stars; one submission).

Submissions (2):

GeneDx
Classification: Uncertain significance. Last evaluated: 2022-12-01. Review status: criteria provided, single submitter. Criteria: GeneDx Variant Classification Process June 2021. Collection method: clinical testing. Allele origin: germline. Affected: yes.
Comment: Not observed at significant frequency in large population cohorts (gnomAD); In silico analysis supports that this missense variant has a deleterious effect on protein structure/function; Has not been previously published as pathogenic or benign to our knowledge

Dr. Peter K. Rogan Lab, Western University
No classification provided (evidence only). Condition: Nonpapillary renal cell carcinoma. Review status: no classification provided. Collection method: in vitro. Allele origin: not applicable. Functional consequence: retained intron. Not counted in ClinVar's aggregate classification.

NM_001081550.2(THOC2):c.1502A>G (p.Asn501Ser)

Gene: THOC2 (THO complex subunit 2; minus strand). Cytogenetic location: Xq25.
Variant type: single nucleotide variant.
Coding change: c.1502A>G on transcript NM_001081550.2 (MANE Select); coding-DNA position 1502, A replaced by G.
Protein change: p.Asn501Ser; replaces asparagine 501 with serine.
Molecular consequence: missense variant.
Genome position (GRCh38, 1-based): chrX:123,644,836, T>C on the plus strand (A>G on the coding strand, the complement: THOC2 is on the minus strand). VCF-style: chrX-123644836-T-C. GRCh37 (hg19) VCF-style: chrX-122778687-T-C.
Other names: NC_000023.10:g.122778687T>C; short protein forms N501S.
Identifiers: ClinVar variation 2504329 (VCV002504329.2), dbSNP rs2521399199, ClinGen allele CA414269686.